The following is an entry in ClinVar:

NM_000642.3(AGL):c.2600T>C (p.Leu867Pro)

Gene: AGL (amylo-alpha-1,6-glucosidase and 4-alpha-glucanotransferase; plus strand). Cytogenetic location: 1p21.2.
Variant type: single nucleotide variant.
Coding change: c.2600T>C on transcript NM_000642.3 (MANE Select); coding-DNA position 2600, T replaced by C.
Protein change: p.Leu867Pro; replaces leucine 867 with proline.
Molecular consequence: missense variant.
Genome position (GRCh38, 1-based): chr1:99,884,622, T>C. VCF-style: chr1-99884622-T-C. GRCh37 (hg19) VCF-style: chr1-100350178-T-C.
Other names: c.2600T>C, p.Leu867Pro (NM_000028.3, NM_000643.3, NM_000644.3 and 2 more transcripts); c.2552T>C, p.Leu851Pro (NM_000646.3); c.2399T>C, p.Leu800Pro (NM_001425327.1); c.2396T>C, p.Leu799Pro (NM_001425328.1); c.2222T>C, p.Leu741Pro (NM_001425332.1); short protein forms L851P, L867P, L741P, L799P, L800P.
Identifiers: ClinVar variation 1714611 (VCV001714611.4), dbSNP rs1652309046, ClinGen allele CA341321690.

ClinVar aggregate classification (germline): Uncertain significance (1 of 4 stars; one submission).

Conditions:
Glycogen storage disease type III (GSD3). Also called: Cori disease; FORBES DISEASE. Identifiers: Orphanet 366, MedGen C0017922, MONDO:0009291, OMIM 232400.

Allele frequency attached by ClinVar (database versions not stated): gnomAD exomes below 0.00001.
gnomAD v4.1: 1 of 1,613,948 alleles (0.000062%); highest among the groups gnomAD compares: Non-Finnish European, 0.000085%; no homozygotes.

Submission:

Labcorp Genetics (formerly Invitae), Labcorp
Classification: Uncertain significance for Glycogen storage disease type III. Last evaluated: 2022-11-22. Review status: criteria provided, single submitter. Criteria: Invitae Variant Classification Sherloc (09022015). Collection method: clinical testing. Allele origin: germline.
Comment: In summary, the available evidence is currently insufficient to determine the role of this variant in disease. Therefore, it has been classified as a Variant of Uncertain Significance. Advanced modeling of protein sequence and biophysical properties (such as structural, functional, and spatial information, amino acid conservation, physicochemical variation, residue mobility, and thermodynamic stability) performed at Invitae indicates that this missense variant is expected to disrupt AGL protein function. This variant has not been reported in the literature in individuals affected with AGL-related conditions. This variant is not present in population databases (gnomAD no frequency). This sequence change replaces leucine, which is neutral and non-polar, with proline, which is neutral and non-polar, at codon 867 of the AGL protein (p.Leu867Pro).